The following is an entry in ClinVar:

NM_003718.5(CDK13):c.629A>G (p.Lys210Arg)

Gene: CDK13 (cyclin dependent kinase 13; plus strand). Cytogenetic location: 7p14.1.
Variant type: single nucleotide variant.
Coding change: c.629A>G on transcript NM_003718.5 (MANE Select); coding-DNA position 629, A replaced by G.
Protein change: p.Lys210Arg; replaces lysine 210 with arginine.
Molecular consequence: missense variant.
Genome position (GRCh38, 1-based): chr7:39,951,270, A>G. VCF-style: chr7-39951270-A-G. GRCh37 (hg19) VCF-style: chr7-39990869-A-G.
Other names: c.629A>G, p.Lys210Arg (NM_031267.4); short protein forms K210R.
Identifiers: ClinVar variation 2581753 (VCV002581753.1), dbSNP rs971194567, ClinGen allele CA157707190.

ClinVar aggregate classification (germline): Uncertain significance (1 of 4 stars; one submission).

Allele frequency attached by ClinVar (database versions not stated): 1000 Genomes Project 30x 0.00016; gnomAD 0.00001; TOPMed 0.00001; gnomAD exomes 0.00003.
gnomAD v4.1: 34 of 1,343,670 alleles (0.0025%); highest among the groups gnomAD compares: Admixed American, 0.0041%; no homozygotes.

Submission:

GeneDx
Classification: Uncertain significance. Last evaluated: 2023-09-27. Review status: criteria provided, single submitter. Criteria: GeneDx Variant Classification Process June 2021. Collection method: clinical testing. Allele origin: germline. Affected: yes.
Comment: Not observed at significant frequency in large population cohorts (gnomAD); In silico analysis supports that this missense variant does not alter protein structure/function; Has not been previously published as pathogenic or benign to our knowledge